The following is an entry in ClinVar:

NM_000081.4(LYST):c.383C>A (p.Ala128Asp)

Gene: LYST (lysosomal trafficking regulator; minus strand). Cytogenetic location: 1q42.3.
Variant type: single nucleotide variant.
Coding change: c.383C>A on transcript NM_000081.4 (MANE Select); coding-DNA position 383, C replaced by A.
Protein change: p.Ala128Asp; replaces alanine 128 with aspartic acid.
Molecular consequence: missense variant.
Genome position (GRCh38, 1-based): chr1:235,810,435, G>T on the plus strand (C>A on the coding strand, the complement: LYST is on the minus strand). VCF-style: chr1-235810435-G-T. GRCh37 (hg19) VCF-style: chr1-235973735-G-T.
Other names: c.383C>A, p.Ala128Asp (NM_001301365.1); short protein forms A128D.
Identifiers: ClinVar variation 1502986 (VCV001502986.7), dbSNP rs770962889, ClinGen allele CA1467641.

ClinVar aggregate classification (germline): Uncertain significance (1 of 4 stars; one submission).

Conditions:
Chédiak-Higashi syndrome (CHS). Also called: Chediak-Higashi Syndrome. Identifiers: Orphanet 167, MedGen C0007965, MONDO:0008963, OMIM 214500.

Allele frequency attached by ClinVar (database versions not stated): gnomAD exomes below 0.00001; ExAC 0.00001.
gnomAD v4.1: 1 of 1,610,686 alleles (0.000062%); highest among the groups gnomAD compares: South Asian, 0.0011%; no homozygotes.

Submission:

Labcorp Genetics (formerly Invitae), Labcorp
Classification: Uncertain significance for Chédiak-Higashi syndrome. Last evaluated: 2021-01-16. Review status: criteria provided, single submitter. Criteria: Invitae Variant Classification Sherloc (09022015). Collection method: clinical testing. Allele origin: germline.
Comment: In summary, the available evidence is currently insufficient to determine the role of this variant in disease. Therefore, it has been classified as a Variant of Uncertain Significance. Algorithms developed to predict the effect of missense changes on protein structure and function (SIFT, PolyPhen-2, Align-GVGD) all suggest that this variant is likely to be tolerated, but these predictions have not been confirmed by published functional studies and their clinical significance is uncertain. This variant has not been reported in the literature in individuals with LYST-related conditions. This variant is present in population databases (rs770962889, ExAC 0.006%). This sequence change replaces alanine with aspartic acid at codon 128 of the LYST protein (p.Ala128Asp). The alanine residue is weakly conserved and there is a moderate physicochemical difference between alanine and aspartic acid.